The following is an entry in ClinVar:

NM_000111.3(SLC26A3):c.1684T>G (p.Phe562Val)

Gene: SLC26A3 (solute carrier family 26 member 3; minus strand). Cytogenetic location: 7q22.3.
Variant type: single nucleotide variant.
Coding change: c.1684T>G on transcript NM_000111.3 (MANE Select); coding-DNA position 1684, T replaced by G.
Protein change: p.Phe562Val; replaces phenylalanine 562 with valine.
Molecular consequence: missense variant.
Genome position (GRCh38, 1-based): chr7:107,774,866, A>C on the plus strand (T>G on the coding strand, the complement: SLC26A3 is on the minus strand). VCF-style: chr7-107774866-A-C. GRCh37 (hg19) VCF-style: chr7-107415311-A-C.
Other names: short protein forms F562V.
Identifiers: ClinVar variation 1444348 (VCV001444348.5), dbSNP rs772218006, ClinGen allele CA4433722.
Genomic context (GRCh38, chr7:107,774,866, plus strand): 5'-GCAGTTTTCGGATTTTCCTCAAAGCTTTGTTGCGCTTGCGTAGAATTCGAAGTGGACTAA[A>C]GCCAACCTGAGAAACCCATTGCTGTGTTACAAGAGTACTGAATATTCTGTTATTTATATA-3'
Protein context (NP_000102.1, residues 552-572): FRRKLIDAVG[Phe562Val]SPLRILRKRN

ClinVar aggregate classification (germline): Uncertain significance (1 of 4 stars; one submission).

Allele frequency attached by ClinVar (database versions not stated): ExAC 0.00001; gnomAD exomes 0.00001 and 0.00002; gnomAD 0.00002; TOPMed 0.00002.
gnomAD v4.1: 36 of 1,613,698 alleles (0.0022%); highest among the groups gnomAD compares: Non-Finnish European, 0.0028%; no homozygotes.

Submission:

Labcorp Genetics (formerly Invitae), Labcorp
Classification: Uncertain significance. Last evaluated: 2021-08-14. Review status: criteria provided, single submitter. Criteria: Invitae Variant Classification Sherloc (09022015). Collection method: clinical testing. Allele origin: germline.
Comment: This sequence change replaces phenylalanine with valine at codon 562 of the SLC26A3 protein (p.Phe562Val). The phenylalanine residue is moderately conserved and there is a small physicochemical difference between phenylalanine and valine. This variant is present in population databases (rs772218006, ExAC 0.001%). This variant has not been reported in the literature in individuals affected with SLC26A3-related conditions. Algorithms developed to predict the effect of missense changes on protein structure and function are either unavailable or do not agree on the potential impact of this missense change (SIFT: "Deleterious"; PolyPhen-2: "Probably Damaging"; Align-GVGD: "Class C0"). In summary, the available evidence is currently insufficient to determine the role of this variant in disease. Therefore, it has been classified as a Variant of Uncertain Significance.